The following is an entry in ClinVar:

NM_001040142.2(SCN2A):c.5908A>G (p.Thr1970Ala)

Gene: SCN2A (sodium voltage-gated channel alpha subunit 2; plus strand). Cytogenetic location: 2q24.3.
Variant type: single nucleotide variant.
Coding change: c.5908A>G on transcript NM_001040142.2 (MANE Select); coding-DNA position 5908, A replaced by G.
Protein change: p.Thr1970Ala; replaces threonine 1970 with alanine.
Molecular consequence: missense variant.
Genome position (GRCh38, 1-based): chr2:165,389,714, A>G. VCF-style: chr2-165389714-A-G. GRCh37 (hg19) VCF-style: chr2-166246224-A-G.
Other names: c.5908A>G, p.Thr1970Ala (NM_001040143.2, NM_001371246.1, NM_001371247.1 and 1 more transcripts); short protein forms T1970A.
Identifiers: ClinVar variation 2936979 (VCV002936979.3), dbSNP rs763448640, ClinGen allele CA1940444.

ClinVar aggregate classification (germline): Uncertain significance (1 of 4 stars; one submission).

Conditions:
Seizures, benign familial infantile, 3 (BFIS3). Also called: CONVULSIONS, BENIGN FAMILIAL INFANTILE, 3; Familial neonatal seizures. Identifiers: Orphanet 140927, Orphanet 306, MedGen C1843140, MONDO:0011904, OMIM 607745.
Developmental and epileptic encephalopathy, 11 (DEE11). Also called: Early infantile epileptic encephalopathy 11. Identifiers: Orphanet 1934, MedGen C3150987, MONDO:0013388, OMIM 613721.

Allele frequency attached by ClinVar (database versions not stated): gnomAD exomes below 0.00001; ExAC 0.00001.
gnomAD v4.1: 1 of 1,613,990 alleles (0.000062%); highest among the groups gnomAD compares: Non-Finnish European, 0.000085%; no homozygotes.

Submission:

Labcorp Genetics (formerly Invitae), Labcorp
Classification: Uncertain significance for Seizures, benign familial infantile, 3; Developmental and epileptic encephalopathy, 11. Last evaluated: 2025-06-12. Review status: criteria provided, single submitter. Criteria: Invitae Variant Classification Sherloc (09022015). Collection method: clinical testing. Allele origin: germline.
Comment: This sequence change replaces threonine, which is neutral and polar, with alanine, which is neutral and non-polar, at codon 1970 of the SCN2A protein (p.Thr1970Ala). This variant is present in population databases (rs763448640, gnomAD 0.007%). This variant has not been reported in the literature in individuals affected with SCN2A-related conditions. ClinVar contains an entry for this variant (Variation ID: 2936979). Invitae Evidence Modeling of protein sequence and biophysical properties (such as structural, functional, and spatial information, amino acid conservation, physicochemical variation, residue mobility, and thermodynamic stability) indicates that this missense variant is not expected to disrupt SCN2A protein function with a negative predictive value of 95%. In summary, the available evidence is currently insufficient to determine the role of this variant in disease. Therefore, it has been classified as a Variant of Uncertain Significance.